The following is an entry in ClinVar:

NM_004260.4(RECQL4):c.1390+3G>A

Gene: RECQL4 (RecQ like helicase 4; minus strand). Cytogenetic location: 8q24.3.
Variant type: single nucleotide variant.
Coding change: c.1390+3G>A on transcript NM_004260.4 (MANE Select); 3 bases into the intron after coding-DNA position 1390, G replaced by A.
Molecular consequence: intron variant.
Genome position (GRCh38, 1-based): chr8:144,515,323, C>T on the plus strand (G>A on the coding strand, the complement: RECQL4 is on the minus strand). VCF-style: chr8-144515323-C-T. GRCh37 (hg19) VCF-style: chr8-145740707-C-T.
Other names: p.?.
Identifiers: ClinVar variation 239696 (VCV000239696.67), dbSNP rs148912524, ClinGen allele CA4948897.
Genomic context (GRCh38, chr8:144,515,323, plus strand): 5'-CACCATGACTTGAGTCACCCCAACCCCTCAGTGAAGGCTCTGGGCCAGAAGCTGACTGCT[C>T]ACCTGCCAACTGCCCTGAGGGCCCCAGGGAGTAGAGTGGCAGCACGGTGGGGTCCAGGCT-3'

ClinVar aggregate classification (germline): Benign/Likely benign. Review status: criteria provided, multiple submitters, no conflicts (2 of 4 stars). 16 submissions from 15 submitters: Benign (5); Likely benign (7). 4 of the submissions do not count toward it. Last evaluated 2026-09-01.

Conditions:
Rothmund-Thomson syndrome type 2 (RTS2). Identifiers: Orphanet 221016, MedGen C5203410, MONDO:0016369, OMIM 268400.
Hereditary cancer-predisposing syndrome. Also called: Hereditary neoplastic syndrome; Hereditary Cancer Syndrome; Neoplastic Syndromes, Hereditary; Tumor predisposition. Identifiers: Orphanet 140162, MedGen C0027672, MeSH D009386, MONDO:0015356.
Rapadilino syndrome. Identifiers: Orphanet 3021, MedGen C1849453, MONDO:0009955, OMIM 266280.
Baller-Gerold syndrome (BGS). Also called: CRANIOSYNOSTOSIS WITH RADIAL DEFECTS. Identifiers: Orphanet 1225, MedGen C0265308, MONDO:0009039, OMIM 218600.

Allele frequency attached by ClinVar (database versions not stated): 1000 Genomes Project 0.00120; TOPMed 0.00212; gnomAD exomes 0.00237 and 0.00342; gnomAD 0.00238 and 0.00246; ESP Exome Variant Server 0.00286; ExAC 0.00293.
gnomAD v4.1: 5,295 of 1,612,376 alleles (0.33%); highest among the groups gnomAD compares: Non-Finnish European, 0.4%; 18 homozygotes.

Submissions (16):

CeGaT Center for Human Genetics Tuebingen
Classification: Likely benign. Last evaluated: 2026-09-01. Review status: criteria provided, single submitter. Criteria: CeGaT Center For Human Genetics Tuebingen Variant Classification Criteria Version 2. Collection method: clinical testing. Allele origin: germline. Affected: yes. Observed: 56 variant alleles.
Comment: RECQL4: BP4, BS2

Labcorp Genetics (formerly Invitae), Labcorp
Classification: Benign for Baller-Gerold syndrome. Last evaluated: 2026-02-02. Review status: criteria provided, single submitter. Criteria: Invitae Variant Classification Sherloc (09022015). Collection method: clinical testing. Allele origin: germline.

Dasa
Classification: Benign. Last evaluated: 2025-11-24. Review status: criteria provided, single submitter. Criteria: DASA Assertion Criteria. Collection method: clinical testing. Allele origin: germline.
Comment: NM_004260.4(RECQL4):c.1390+3G>A is interpreted as benign based on a combination of available evidence, including population frequency, observations in unaffected individuals, and in silico models suggesting no deleterious effect. Based on the available data, this variant is classified as benign.

Mayo Clinic Laboratories, Mayo Clinic
Classification: Likely benign. Last evaluated: 2025-09-22. Review status: criteria provided, single submitter. Criteria: ACMG Guidelines, 2015. Collection method: clinical testing. Allele origin: germline. Observed: 1 variant allele.
Comment: BS1, BP4, BP7

KCCC/NGS Laboratory, Kuwait Cancer Control Center
Classification: Benign for Rapadilino syndrome. Last evaluated: 2025-02-01. Review status: criteria provided, single submitter. Criteria: ACMG Guidelines, 2015. Collection method: clinical testing. Allele origin: germline. Affected: no.

Blueprint Genetics
Classification: Likely benign. Last evaluated: 2024-11-25. Review status: criteria provided, single submitter. Criteria: ACMG Guidelines, 2015. Collection method: clinical testing. Allele origin: germline.

KCCC/NGS Laboratory, Kuwait Cancer Control Center
Classification: Benign for Rothmund-Thomson syndrome type 2. Last evaluated: 2023-07-07. Review status: criteria provided, single submitter. Criteria: ACMG Guidelines, 2015. Collection method: clinical testing. Allele origin: germline. Affected: yes.

Institute for Clinical Genetics, University Hospital TU Dresden, University Hospital TU Dresden
Classification: Likely benign. Last evaluated: 2021-11-03. Review status: criteria provided, single submitter. Criteria: ACMG Guidelines, 2015. Collection method: clinical testing. Allele origin: germline.

Genetic Services Laboratory, University of Chicago
Classification: Likely benign. Last evaluated: 2021-04-16. Review status: criteria provided, single submitter. Criteria: ACMG Guidelines, 2015. Collection method: clinical testing. Allele origin: germline. Affected: no.

Sema4
Classification: Likely benign for Hereditary cancer-predisposing syndrome. Last evaluated: 2020-12-27. Review status: criteria provided, single submitter. Criteria: Sema4 Curation Guidelines. Collection method: curation. Allele origin: germline.

GeneDx
Classification: Benign. Last evaluated: 2019-07-05. Review status: criteria provided, single submitter. Criteria: GeneDx Variant Classification Process June 2021. Collection method: clinical testing. Allele origin: germline. Affected: yes.
Comment: This variant is associated with the following publications: (PMID: 29220673)

Eurofins Ntd Llc (ga)
Classification: Likely benign. Last evaluated: 2016-08-31. Review status: criteria provided, single submitter. Criteria: EGL Classification Definitions 2015. Collection method: clinical testing. Allele origin: germline. Observed: 1 variant allele, 1 heterozygote.

Genome Diagnostics Laboratory, Amsterdam University Medical Center
Classification: Likely benign. Review status: no assertion criteria provided. Collection method: clinical testing. Allele origin: germline. Affected: yes. Study: VKGL Data-share Consensus. Not counted in ClinVar's aggregate classification.

Genome Diagnostics Laboratory, University Medical Center Utrecht
Classification: Likely benign. Review status: no assertion criteria provided. Collection method: clinical testing. Allele origin: germline. Affected: yes. Study: VKGL Data-share Consensus. Not counted in ClinVar's aggregate classification.

Joint Genome Diagnostic Labs from Nijmegen and Maastricht, Radboudumc and MUMC+
Classification: Likely benign. Review status: no assertion criteria provided. Collection method: clinical testing. Allele origin: germline. Affected: yes. Study: VKGL Data-share Consensus. Not counted in ClinVar's aggregate classification.

Laboratory of Diagnostic Genome Analysis, Leiden University Medical Center (LUMC)
Classification: Likely benign. Review status: no assertion criteria provided. Collection method: clinical testing. Allele origin: germline. Affected: yes. Study: VKGL Data-share Consensus. Not counted in ClinVar's aggregate classification.